The following is an entry in ClinVar:

NM_006947.4(SRP72):c.1552G>A (p.Val518Ile)

Gene: SRP72 (signal recognition particle 72; plus strand). Cytogenetic location: 4q12.
Variant type: single nucleotide variant.
Coding change: c.1552G>A on transcript NM_006947.4 (MANE Select); coding-DNA position 1552, G replaced by A.
Protein change: p.Val518Ile; replaces valine 518 with isoleucine.
Molecular consequence: missense variant. On other transcripts: non-coding transcript variant (1).
Genome position (GRCh38, 1-based): chr4:56,491,480, G>A. VCF-style: chr4-56491480-G-A. GRCh37 (hg19) VCF-style: chr4-57357646-G-A.
Other names: c.1369G>A, p.Val457Ile (NM_001267722.2); short protein forms V457I, V518I.
Identifiers: ClinVar variation 2499171 (VCV002499171.7), dbSNP rs1245879506, ClinGen allele CA357001999.

ClinVar aggregate classification (germline): Uncertain significance. Review status: criteria provided, multiple submitters, no conflicts (2 of 4 stars). 3 submissions from 3 submitters: Uncertain significance (3). Last evaluated 2025-07-02.

Allele frequency attached by ClinVar (database versions not stated): gnomAD exomes 0.00002.
gnomAD v4.1: 23 of 1,613,990 alleles (0.0014%); highest among the groups gnomAD compares: Non-Finnish European, 0.0019%; no homozygotes.

Submissions (3):

Labcorp Genetics (formerly Invitae), Labcorp
Classification: Uncertain significance. Last evaluated: 2025-07-02. Review status: criteria provided, single submitter. Criteria: Invitae Variant Classification Sherloc (09022015). Collection method: clinical testing. Allele origin: germline.
Comment: This sequence change replaces valine, which is neutral and non-polar, with isoleucine, which is neutral and non-polar, at codon 518 of the SRP72 protein (p.Val518Ile). This variant is present in population databases (no rsID available, gnomAD 0.0009%). This variant has not been reported in the literature in individuals affected with SRP72-related conditions. ClinVar contains an entry for this variant (Variation ID: 2499171). Invitae Evidence Modeling of protein sequence and biophysical properties (such as structural, functional, and spatial information, amino acid conservation, physicochemical variation, residue mobility, and thermodynamic stability) indicates that this missense variant is not expected to disrupt SRP72 protein function with a negative predictive value of 80%. In summary, the available evidence is currently insufficient to determine the role of this variant in disease. Therefore, it has been classified as a Variant of Uncertain Significance.

Ambry Genetics
Classification: Uncertain significance. Last evaluated: 2025-02-15. Review status: criteria provided, single submitter. Criteria: Ambry Variant Classification Scheme 2023. Collection method: clinical testing. Allele origin: germline.
Comment: The p.V518I variant (also known as c.1552G>A), located in coding exon 16 of the SRP72 gene, results from a G to A substitution at nucleotide position 1552. The valine at codon 518 is replaced by isoleucine, an amino acid with highly similar properties. This amino acid position is conserved. In addition, the in silico prediction for this alteration is inconclusive. Based on the available evidence, the clinical significance of this variant remains unclear.

GeneDx
Classification: Uncertain significance. Last evaluated: 2023-05-05. Review status: criteria provided, single submitter. Criteria: GeneDx Variant Classification Process June 2021. Collection method: clinical testing. Allele origin: germline.
Comment: Not observed at significant frequency in large population cohorts (gnomAD); In silico analysis supports that this missense variant does not alter protein structure/function; Has not been previously published as pathogenic or benign to our knowledge